The following is an entry in ClinVar:

NM_001286611.2(REPS1):c.981-3T>C

Gene: REPS1 (RALBP1 associated Eps domain containing 1; minus strand). Cytogenetic location: 6q24.1.
Variant type: single nucleotide variant.
Coding change: c.981-3T>C on transcript NM_001286611.2 (MANE Select); 3 bases into the intron before coding-DNA position 981, T replaced by C.
Molecular consequence: intron variant.
Genome position (GRCh38, 1-based): chr6:138,941,492, A>G on the plus strand (T>C on the coding strand, the complement: REPS1 is on the minus strand). VCF-style: chr6-138941492-A-G. GRCh37 (hg19) VCF-style: chr6-139262629-A-G.
Other names: c.981-3T>C (NM_001286612.2, NM_001128617.3, NM_031922.5).
Identifiers: ClinVar variation 1417407 (VCV001417407.6), dbSNP rs758590790, ClinGen allele CA4024302.

ClinVar aggregate classification (germline): Uncertain significance (1 of 4 stars; one submission).

Allele frequency attached by ClinVar (database versions not stated): gnomAD exomes 0.00002 and 0.00004; ExAC 0.00004; TOPMed 0.00005; gnomAD 0.00008 and 0.00009.
gnomAD v4.1: 72 of 1,612,544 alleles (0.0045%); highest among the groups gnomAD compares: Non-Finnish European, 0.006%; no homozygotes.

Submission:

Labcorp Genetics (formerly Invitae), Labcorp
Classification: Uncertain significance. Last evaluated: 2025-02-24. Review status: criteria provided, single submitter. Criteria: Invitae Variant Classification Sherloc (09022015). Collection method: clinical testing. Allele origin: germline.
Comment: This sequence change falls in intron 7 of the REPS1 gene. It does not directly change the encoded amino acid sequence of the REPS1 protein. It affects a nucleotide within the consensus splice site. This variant is present in population databases (rs758590790, gnomAD 0.006%). This variant has not been reported in the literature in individuals affected with REPS1-related conditions. ClinVar contains an entry for this variant (Variation ID: 1417407). Variants that disrupt the consensus splice site are a relatively common cause of aberrant splicing (PMID: 17576681, 9536098). Algorithms developed to predict the effect of sequence changes on RNA splicing suggest that this variant is not likely to affect RNA splicing. In summary, the available evidence is currently insufficient to determine the role of this variant in disease. Therefore, it has been classified as a Variant of Uncertain Significance.

Literature cited by the submitters: PubMed 17576681; PubMed 9536098.